The following is an entry in ClinVar:

NM_020442.6(VARS2):c.1120C>T (p.Leu374Phe)

Gene: VARS2 (valyl-tRNA synthetase 2, mitochondrial; plus strand). Cytogenetic location: 6p21.33.
Variant type: single nucleotide variant.
Coding change: c.1120C>T on transcript NM_020442.6 (MANE Select); coding-DNA position 1120, C replaced by T.
Protein change: p.Leu374Phe; replaces leucine 374 with phenylalanine.
Molecular consequence: missense variant.
Genome position (GRCh38, 1-based): chr6:30,919,803, C>T. VCF-style: chr6-30919803-C-T. GRCh37 (hg19) VCF-style: chr6-30887580-C-T.
Other names: c.700C>T, p.Leu234Phe (NM_001167733.3); c.1210C>T, p.Leu404Phe (NM_001167734.2); short protein forms L234F, L404F, L374F.
Identifiers: ClinVar variation 1515405 (VCV001515405.6), dbSNP rs2150558437, ClinGen allele CA363170856.

ClinVar aggregate classification (germline): Uncertain significance (1 of 4 stars; one submission).

gnomAD v4.1: 1 of 1,596,984 alleles (0.000063%); highest among the groups gnomAD compares: Non-Finnish European, 0.000086%; no homozygotes.

Submission:

Labcorp Genetics (formerly Invitae), Labcorp
Classification: Uncertain significance. Last evaluated: 2024-10-07. Review status: criteria provided, single submitter. Criteria: Invitae Variant Classification Sherloc (09022015). Collection method: clinical testing. Allele origin: germline.
Comment: This sequence change replaces leucine, which is neutral and non-polar, with phenylalanine, which is neutral and non-polar, at codon 404 of the VARS2 protein (p.Leu404Phe). This variant is not present in population databases (gnomAD no frequency). This variant has not been reported in the literature in individuals affected with VARS2-related conditions. ClinVar contains an entry for this variant (Variation ID: 1515405). Invitae Evidence Modeling of protein sequence and biophysical properties (such as structural, functional, and spatial information, amino acid conservation, physicochemical variation, residue mobility, and thermodynamic stability) indicates that this missense variant is not expected to disrupt VARS2 protein function with a negative predictive value of 80%. In summary, the available evidence is currently insufficient to determine the role of this variant in disease. Therefore, it has been classified as a Variant of Uncertain Significance.